The following is an entry in ClinVar:

NM_006262.4(PRPH):c.931G>C (p.Glu311Gln)

Genes: PRPH (peripherin; plus strand), TROAP-AS1 (TROAP and PRPH antisense RNA 1; minus strand), LOC124629354 (Sharpr-MPRA regulatory region 11953; plus strand). Cytogenetic location: 12q13.12.
Variant type: single nucleotide variant.
Coding change: c.931G>C on transcript NM_006262.4 (MANE Select); coding-DNA position 931, G replaced by C.
Protein change: p.Glu311Gln; replaces glutamic acid 311 with glutamine.
Molecular consequence: missense variant. On other transcripts: non-coding transcript variant (1).
Genome position (GRCh38, 1-based): chr12:49,297,208, G>C. VCF-style: chr12-49297208-G-C. GRCh37 (hg19) VCF-style: chr12-49690991-G-C.
Other names: short protein forms E311Q.
Identifiers: ClinVar variation 2581998 (VCV002581998.1), dbSNP rs2498984349, ClinGen allele CA384694319.

ClinVar aggregate classification (germline): Uncertain significance (1 of 4 stars; one submission).

Submission:

GeneDx
Classification: Uncertain significance. Last evaluated: 2023-03-26. Review status: criteria provided, single submitter. Criteria: GeneDx Variant Classification Process June 2021. Collection method: clinical testing. Allele origin: germline. Affected: yes.
Comment: Not observed at significant frequency in large population cohorts (gnomAD); In silico analysis supports that this missense variant has a deleterious effect on protein structure/function; Has not been previously published as pathogenic or benign to our knowledge